The following is an entry in ClinVar:

NM_201525.4(ADGRG1):c.493C>T (p.Pro165Ser)

Gene: ADGRG1 (adhesion G protein-coupled receptor G1; plus strand). Cytogenetic location: 16q21.
Variant type: single nucleotide variant.
Coding change: c.493C>T on transcript NM_201525.4 (MANE Select); coding-DNA position 493, C replaced by T.
Protein change: p.Pro165Ser; replaces proline 165 with serine.
Molecular consequence: missense variant. On other transcripts: 5 prime UTR variant (5), intron variant (1).
Genome position (GRCh38, 1-based): chr16:57,653,208, C>T. VCF-style: chr16-57653208-C-T. GRCh37 (hg19) VCF-style: chr16-57687120-C-T.
Other names: c.493C>T, p.Pro165Ser (NM_001145770.3, NM_001145771.3, NM_001145772.3 and 16 more transcripts); c.508C>T, p.Pro170Ser (NM_001145773.3, NM_001370433.1); c.-33C>T (NM_001290143.2, NM_001290144.2, NM_001370451.1 and 2 more transcripts); c.337C>T, p.Pro113Ser (NM_001370442.1); c.111-778C>T (NM_001290142.2); c.493C>T (NM_005682.5); short protein forms P113S, P165S, P170S.
Identifiers: ClinVar variation 2178074 (VCV002178074.2), dbSNP rs756301108, ClinGen allele CA8078403.

ClinVar aggregate classification (germline): Uncertain significance. Review status: criteria provided, multiple submitters, no conflicts (2 of 4 stars). 2 submissions from 2 submitters: Uncertain significance (2). Last evaluated 2024-12-07.

Conditions:
Inborn genetic diseases. Identifiers: MedGen C0950123, MeSH D030342.

Allele frequency attached by ClinVar (database versions not stated): gnomAD exomes below 0.00001; ExAC 0.00001; TOPMed 0.00001.
gnomAD v4.1: 6 of 1,608,982 alleles (0.00037%); highest among the groups gnomAD compares: Admixed American, 0.0083%; no homozygotes.

Submissions (2):

Ambry Genetics
Classification: Uncertain significance for Inborn genetic diseases. Last evaluated: 2024-12-07. Review status: criteria provided, single submitter. Criteria: Ambry Variant Classification Scheme 2023. Collection method: clinical testing. Allele origin: germline.

Labcorp Genetics (formerly Invitae), Labcorp
Classification: Uncertain significance. Last evaluated: 2022-08-15. Review status: criteria provided, single submitter. Criteria: Invitae Variant Classification Sherloc (09022015). Collection method: clinical testing. Allele origin: germline.
Comment: This sequence change replaces proline, which is neutral and non-polar, with serine, which is neutral and polar, at codon 165 of the ADGRG1 protein (p.Pro165Ser). This variant is present in population databases (rs756301108, gnomAD 0.02%). This variant has not been reported in the literature in individuals affected with ADGRG1-related conditions. Advanced modeling of protein sequence and biophysical properties (such as structural, functional, and spatial information, amino acid conservation, physicochemical variation, residue mobility, and thermodynamic stability) performed at Invitae indicates that this missense variant is not expected to disrupt ADGRG1 protein function. In summary, the available evidence is currently insufficient to determine the role of this variant in disease. Therefore, it has been classified as a Variant of Uncertain Significance.